The following is an entry in ClinVar:

ClinVar aggregate classification (germline): Likely benign (0 of 4 stars; one submission).

Conditions:
PABPN1-related disorder. Also called: PABPN1-related condition.

Allele frequency attached by ClinVar (database versions not stated): gnomAD exomes 0.00004; ExAC 0.00012; ESP Exome Variant Server 0.00015; gnomAD 0.00017; TOPMed 0.00022.
gnomAD v4.1: 87 of 1,614,206 alleles (0.0054%); highest among the groups gnomAD compares: African/African-American, 0.052%; no homozygotes.

Submission:

PreventionGenetics, part of Exact Sciences
Classification: Likely benign for PABPN1-related condition. Last evaluated: 2019-06-05. Review status: no assertion criteria provided. Collection method: clinical testing. Allele origin: germline.
Comment: This variant is classified as likely benign based on ACMG/AMP sequence variant interpretation guidelines (Richards et al. 2015 PMID: 25741868, with internal and published modifications).

NM_004643.4(PABPN1):c.801C>T (p.Arg267=)

Genes: BCL2L2-PABPN1 (BCL2L2-PABPN1 readthrough; plus strand), PABPN1 (poly(A) binding protein nuclear 1; plus strand). Cytogenetic location: 14q11.2.
Variant type: single nucleotide variant.
Coding change: c.801C>T on transcript NM_004643.4 (MANE Select); coding-DNA position 801, C replaced by T.
Protein change: p.Arg267=; no amino-acid change (arginine 267 retained).
Molecular consequence: synonymous variant.
Genome position (GRCh38, 1-based): chr14:23,324,209, C>T. VCF-style: chr14-23324209-C-T. GRCh37 (hg19) VCF-style: chr14-23793418-C-T.
Other names: c.882C>T, p.Arg294= (NM_001199864.3, NM_001387345.1, NM_001387346.1); c.999C>T, p.Arg333= (NM_001387340.1); c.978C>T, p.Arg326= (NM_001387341.1, NM_001387342.1, NM_001387343.1 and 1 more transcripts); c.801C>T, p.Arg267= (NM_001360551.3); c.417C>T, p.Arg139= (NM_001360552.2).
Identifiers: ClinVar variation 3044420 (VCV003044420.2), dbSNP rs150924353, ClinGen allele CA7112702.
Genomic context (GRCh38, chr14:23,324,209, plus strand): 5'-ACGAACCAACAGACCAGGCATCAGCACAACAGACCGGGGTTTTCCACGAGCCCGCTACCG[C>T]GCCCGGACCACCAACTACAACAGCTCCCGCTCTCGATTCTACAGTGGTTTTAACAGCAGG-3'
Protein context (NP_004634.1, residues 257-277): TDRGFPRARY[Arg267=]ARTTNYNSSR